The following is an entry in ClinVar:

NM_001029883.3(PCARE):c.1185C>A (p.His395Gln)

Gene: PCARE (photoreceptor cilium actin regulator; minus strand). Cytogenetic location: 2p23.2.
Variant type: single nucleotide variant.
Coding change: c.1185C>A on transcript NM_001029883.3 (MANE Select); coding-DNA position 1185, C replaced by A.
Protein change: p.His395Gln; replaces histidine 395 with glutamine.
Molecular consequence: missense variant.
Genome position (GRCh38, 1-based): chr2:29,073,077, G>T on the plus strand (C>A on the coding strand, the complement: PCARE is on the minus strand). VCF-style: chr2-29073077-G-T. GRCh37 (hg19) VCF-style: chr2-29295943-G-T.
Other names: short protein forms H395Q.
Identifiers: ClinVar variation 1350428 (VCV001350428.6), dbSNP rs367879157, ClinGen allele CA1592478.

ClinVar aggregate classification (germline): Uncertain significance (1 of 4 stars; one submission).

Allele frequency attached by ClinVar (database versions not stated): gnomAD exomes 0.00001; ExAC 0.00002; TOPMed 0.00002; ESP Exome Variant Server 0.00008.
gnomAD v4.1: 5 of 1,614,102 alleles (0.00031%); highest among the groups gnomAD compares: Non-Finnish European, 0.00034%; no homozygotes.

Submission:

Labcorp Genetics (formerly Invitae), Labcorp
Classification: Uncertain significance. Last evaluated: 2022-08-10. Review status: criteria provided, single submitter. Criteria: Invitae Variant Classification Sherloc (09022015). Collection method: clinical testing. Allele origin: germline.
Comment: Algorithms developed to predict the effect of missense changes on protein structure and function output the following: SIFT: "Deleterious"; PolyPhen-2: "Benign"; Align-GVGD: "Class C15". The glutamine amino acid residue is found in multiple mammalian species, which suggests that this missense change does not adversely affect protein function. In summary, the available evidence is currently insufficient to determine the role of this variant in disease. Therefore, it has been classified as a Variant of Uncertain Significance. ClinVar contains an entry for this variant (Variation ID: 1350428). This variant has not been reported in the literature in individuals affected with PCARE-related conditions. This variant is present in population databases (rs367879157, gnomAD 0.003%). This sequence change replaces histidine, which is basic and polar, with glutamine, which is neutral and polar, at codon 395 of the PCARE protein (p.His395Gln).